The following is an entry in ClinVar:

NM_002661.5(PLCG2):c.2013C>G (p.Ile671Met)

Gene: PLCG2 (phospholipase C gamma 2; plus strand). Cytogenetic location: 16q23.3.
Variant type: single nucleotide variant.
Coding change: c.2013C>G on transcript NM_002661.5 (MANE Select); coding-DNA position 2013, C replaced by G.
Protein change: p.Ile671Met; replaces isoleucine 671 with methionine.
Molecular consequence: missense variant.
Genome position (GRCh38, 1-based): chr16:81,912,675, C>G. VCF-style: chr16-81912675-C-G. GRCh37 (hg19) VCF-style: chr16-81946280-C-G.
Other names: c.2013C>G, p.Ile671Met (NM_001425749.1, NM_001425750.1, NM_001425751.1); short protein forms I671M.
Identifiers: ClinVar variation 4770914 (VCV004770914.1).
Genomic context (GRCh38, chr16:81,912,675, plus strand): 5'-GAGCCGCGGAGAGGCAGAGGACATGCTGATGAGGATTCCCCGGGACGGGGCCTTCCTGAT[C>G]CGGAAGCGAGAGGGGAGCGACTCCTATGCCATCACCTTCAGGTGGGTGCGAGGGTGGGAG-3'
Protein context (NP_002652.2, residues 661-681): MRIPRDGAFL[Ile671Met]RKREGSDSYA

ClinVar aggregate classification (germline): Uncertain significance (1 of 4 stars; one submission).

Conditions:
Familial cold autoinflammatory syndrome 3 (FCAS3). Also called: FAMILIAL ATYPICAL COLD URTICARIA; ANTIBODY DEFICIENCY AND IMMUNE DYSREGULATION, PLCG2-ASSOCIATED. Identifiers: Orphanet 300359, MedGen C3280914, MONDO:0013766, OMIM 614468.

gnomAD v4.1: 4 of 1,612,496 alleles (0.00025%); highest among the groups gnomAD compares: Admixed American, 0.0033%; no homozygotes.

Submission:

Labcorp Genetics (formerly Invitae), Labcorp
Classification: Uncertain significance for Familial cold autoinflammatory syndrome 3. Last evaluated: 2025-04-29. Review status: criteria provided, single submitter. Criteria: Invitae Variant Classification Sherloc (09022015). Collection method: clinical testing. Allele origin: germline.
Comment: This sequence change replaces isoleucine, which is neutral and non-polar, with methionine, which is neutral and non-polar, at codon 671 of the PLCG2 protein (p.Ile671Met). This variant is present in population databases (rs768072868, gnomAD 0.006%). This variant has not been reported in the literature in individuals affected with PLCG2-related conditions. An algorithm developed to predict the effect of missense changes on protein structure and function (PolyPhen-2) suggests that this variant is likely to be disruptive. In summary, the available evidence is currently insufficient to determine the role of this variant in disease. Therefore, it has been classified as a Variant of Uncertain Significance.